The following is an entry in ClinVar:

ClinVar aggregate classification (germline): Conflicting classifications of pathogenicity. Review status: no assertion criteria provided (0 of 4 stars). 2 submissions from 2 submitters: Pathogenic (1); Likely benign (1). Last evaluated 2023-02-22.

Conditions:
IL2RA-related disorder. Also called: IL2RA-related condition.
Type 1 diabetes mellitus 10 (T1D10). Identifiers: MedGen C1866040, MONDO:0011168, OMIM 601942.

Allele frequency attached by ClinVar (database versions not stated): 1000 Genomes Project 30x 0.02748; 1000 Genomes Project 0.02796; TOPMed 0.05733; gnomAD 0.05959 and 0.06086.

Submissions (2):

PreventionGenetics, part of Exact Sciences
Classification: Likely benign for IL2RA-related condition. Last evaluated: 2023-02-22. Review status: no assertion criteria provided. Collection method: clinical testing. Allele origin: germline.
Comment: This variant is classified as likely benign based on ACMG/AMP sequence variant interpretation guidelines (Richards et al. 2015 PMID: 25741868, with internal and published modifications).

OMIM
Classification: Pathogenic for TYPE 1 DIABETES MELLITUS 10. Last evaluated: 2007-09-01. Review status: no assertion criteria provided. Collection method: literature only. Allele origin: germline.

Literature cited by the submitters: PubMed 17676041 (cited by OMIM).

NC_000010.11:g.6072697C>A

Gene: IL2RA (interleukin 2 receptor subunit alpha; minus strand). Cytogenetic location: 10p15.1.
Variant type: single nucleotide variant.
Genome position: GRCh38 VCF-style: chr10-6072697-C-A. GRCh37 (hg19) VCF-style: chr10-6114660-C-A.
Other names: C-A (rs41295061).
Identifiers: ClinVar variation 14669 (VCV000014669.5), dbSNP rs41295061, ClinGen allele CA124194.
Genomic context (GRCh38, chr10:6,072,697, plus strand): 5'-TTAGAACAGAGAAGCCAGCCACCTGCCAAGAAGGTCTGAAGAACCCAGAAGCGACATTAG[C>A]AAGGGGTTCGTTTCACGGAATCCAAAGGTCTGTTTCGTCAATCATGGCCAGATGGGGTAT-3'